The following is an entry in ClinVar:

ClinVar aggregate classification (germline): Uncertain significance (1 of 4 stars; one submission).

Allele frequency attached by ClinVar (database versions not stated): gnomAD exomes below 0.00001.
gnomAD v4.1: 2 of 1,613,356 alleles (0.00012%); highest among the groups gnomAD compares: Non-Finnish European, 0.00017%; no homozygotes.

Submission:

Labcorp Genetics (formerly Invitae), Labcorp
Classification: Uncertain significance. Last evaluated: 2025-10-06. Review status: criteria provided, single submitter. Criteria: Invitae Variant Classification Sherloc (09022015). Collection method: clinical testing. Allele origin: germline.
Comment: This sequence change replaces isoleucine, which is neutral and non-polar, with methionine, which is neutral and non-polar, at codon 666 of the TRPC3 protein (p.Ile666Met). This variant is not present in population databases (gnomAD no frequency). This variant has not been reported in the literature in individuals affected with TRPC3-related conditions. ClinVar contains an entry for this variant (Variation ID: 2844123). Invitae Evidence Modeling of protein sequence and biophysical properties (such as structural, functional, and spatial information, amino acid conservation, physicochemical variation, residue mobility, and thermodynamic stability) indicates that this missense variant is not expected to disrupt TRPC3 protein function with a negative predictive value of 80%. In summary, the available evidence is currently insufficient to determine the role of this variant in disease. Therefore, it has been classified as a Variant of Uncertain Significance.

NM_001130698.2(TRPC3):c.1998T>G (p.Ile666Met)

Gene: TRPC3 (transient receptor potential cation channel subfamily C member 3; minus strand). Cytogenetic location: 4q27.
Variant type: single nucleotide variant.
Coding change: c.1998T>G on transcript NM_001130698.2 (MANE Select); coding-DNA position 1998, T replaced by G.
Protein change: p.Ile666Met; replaces isoleucine 666 with methionine.
Molecular consequence: missense variant.
Genome position (GRCh38, 1-based): chr4:121,907,362, A>C on the plus strand (T>G on the coding strand, the complement: TRPC3 is on the minus strand). VCF-style: chr4-121907362-A-C. GRCh37 (hg19) VCF-style: chr4-122828517-A-C.
Other names: c.1998T>G, p.Ile666Met (NM_001366479.2); c.1779T>G, p.Ile593Met (NM_003305.2); short protein forms I593M, I666M.
Identifiers: ClinVar variation 2844123 (VCV002844123.3), dbSNP rs2476798399, ClinGen allele CA358054851.